The following is an entry in ClinVar:

GRCh38/hg38 18p11.31(chr18:3447721-3451783)x1

Genes: TGIF1 (TGFB induced factor homeobox 1; plus strand), LOC130062108 (ATAC-STARR-seq lymphoblastoid silent region 9254; plus strand), LOC130062109 (ATAC-STARR-seq lymphoblastoid silent region 9255; plus strand), LOC130062110 (ATAC-STARR-seq lymphoblastoid silent region 9256; plus strand), LOC130062111 (ATAC-STARR-seq lymphoblastoid silent region 9257; plus strand). Cytogenetic location: 18p11.31.
Variant type: copy number loss.
Change: copy number 1 (one copy instead of two) of chr18:3,447,721-3,451,783 (4.1 kb, GRCh38 coordinates, 1-based), cytogenetic band 18p11.31.
Identifiers: ClinVar variation 58322 (VCV000058322.2).

ClinVar aggregate classification (germline): Likely pathogenic (1 of 4 stars; one submission).

Submission:

ISCA site 14
Classification: Likely pathogenic. Last evaluated: 2017-08-30. Review status: criteria provided, single submitter. Criteria: Kaminsky et al. (Genet Med. 2011). Collection method: clinical testing. Allele origin: unknown. Affected: yes. Observed: 1 variant allele.
Comment: Copy number variation identified through the course of routine clinical cytogenomic testing in postnatal populations. Clinical assertions have been curated as described in Kaminsky et al. 2011.